The following is an entry in ClinVar:

ClinVar aggregate classification (germline): Uncertain significance (1 of 4 stars; one submission).

Allele frequency attached by ClinVar (database versions not stated): TOPMed 0.00001.

Submission:

Labcorp Genetics (formerly Invitae), Labcorp
Classification: Uncertain significance. Last evaluated: 2023-06-17. Review status: criteria provided, single submitter. Criteria: Invitae Variant Classification Sherloc (09022015). Collection method: clinical testing. Allele origin: germline.
Comment: This sequence change replaces proline, which is neutral and non-polar, with alanine, which is neutral and non-polar, at codon 66 of the GSN protein (p.Pro66Ala). This variant is not present in population databases (gnomAD no frequency). This variant has not been reported in the literature in individuals affected with GSN-related conditions. An algorithm developed to predict the effect of missense changes on protein structure and function (PolyPhen-2) suggests that this variant is likely to be tolerated. In summary, the available evidence is currently insufficient to determine the role of this variant in disease. Therefore, it has been classified as a Variant of Uncertain Significance.

NM_198252.3(GSN):c.43C>G (p.Pro15Ala)

Gene: GSN (gelsolin; plus strand). Cytogenetic location: 9q33.2.
Variant type: single nucleotide variant.
Coding change: c.43C>G on transcript NM_198252.3 (MANE Select); coding-DNA position 43, C replaced by G.
Protein change: p.Pro15Ala; replaces proline 15 with alanine.
Molecular consequence: missense variant. On other transcripts: intron variant (1).
Genome position (GRCh38, 1-based): chr9:121,302,014, C>G. VCF-style: chr9-121302014-C-G. GRCh37 (hg19) VCF-style: chr9-124064292-C-G.
Other names: c.76C>G, p.Pro26Ala (NM_001353064.2, NM_001353065.2, NM_001353072.2 and 13 more transcripts); c.115C>G, p.Pro39Ala (NM_001353076.2); c.-458-897C>G (NM_001353078.2); c.196C>G, p.Pro66Ala (NM_000177.5); c.43C>G, p.Pro15Ala (NM_001127662.2, NM_001127664.2, NM_001127665.2 and 10 more transcripts); c.151C>G, p.Pro51Ala (NM_001127663.2); c.94C>G, p.Pro32Ala (NM_001258029.2); c.67C>G, p.Pro23Ala (NM_001258030.2); short protein forms P26A, P39A, P66A, P51A, P23A, P32A, P15A.
Identifiers: ClinVar variation 2796394 (VCV002796394.3), dbSNP rs2059925191, ClinGen allele CA374731101.